The following is an entry in ClinVar:

ClinVar aggregate classification (germline): Uncertain significance (1 of 4 stars; one submission).

gnomAD v4.1: 2 of 1,614,164 alleles (0.00012%); highest among the groups gnomAD compares: Non-Finnish European, 0.000085%; no homozygotes.

Submission:

Labcorp Genetics (formerly Invitae), Labcorp
Classification: Uncertain significance. Last evaluated: 2025-03-27. Review status: criteria provided, single submitter. Criteria: Invitae Variant Classification Sherloc (09022015). Collection method: clinical testing. Allele origin: germline.
Comment: This sequence change replaces aspartic acid, which is acidic and polar, with glycine, which is neutral and non-polar, at codon 1278 of the BPTF protein (p.Asp1278Gly). This variant is not present in population databases (gnomAD no frequency). This variant has not been reported in the literature in individuals affected with BPTF-related conditions. An algorithm developed to predict the effect of missense changes on protein structure and function outputs the following: PolyPhen-2: "Benign". The glycine amino acid residue is found in multiple mammalian species, which suggests that this missense change does not adversely affect protein function. In summary, the available evidence is currently insufficient to determine the role of this variant in disease. Therefore, it has been classified as a Variant of Uncertain Significance.

NM_182641.4(BPTF):c.3455A>G (p.Asp1152Gly)

Gene: BPTF (bromodomain PHD finger transcription factor; plus strand). Cytogenetic location: 17q24.2.
Variant type: single nucleotide variant.
Coding change: c.3455A>G on transcript NM_182641.4 (MANE Select); coding-DNA position 3455, A replaced by G.
Protein change: p.Asp1152Gly; replaces aspartic acid 1152 with glycine.
Molecular consequence: missense variant.
Genome position (GRCh38, 1-based): chr17:67,911,339, A>G. VCF-style: chr17-67911339-A-G. GRCh37 (hg19) VCF-style: chr17-65907455-A-G.
Other names: c.3644A>G, p.Asp1215Gly (NM_001439139.1, NM_001439141.1, NM_001439143.1 and 1 more transcripts); c.3833A>G, p.Asp1278Gly (NM_001439140.1, NM_001439142.1, NM_004459.7); short protein forms D1215G, D1278G, D1152G.
Identifiers: ClinVar variation 4753923 (VCV004753923.1).